The following is an entry in ClinVar:

NM_000264.5(PTCH1):c.4G>A (p.Ala2Thr)

Genes: PTCH1 (patched 1; minus strand), LOC130002133 (ATAC-STARR-seq lymphoblastoid silent region 20071; plus strand). Cytogenetic location: 9q22.32.
Variant type: single nucleotide variant.
Coding change: c.4G>A on transcript NM_000264.5 (MANE Select); coding-DNA position 4, G replaced by A.
Protein change: p.Ala2Thr; replaces alanine 2 with threonine.
Molecular consequence: missense variant. On other transcripts: non-coding transcript variant (1), intron variant (3).
Genome position (GRCh38, 1-based): chr9:95,508,358, C>T on the plus strand (G>A on the coding strand, the complement: PTCH1 is on the minus strand). VCF-style: chr9-95508358-C-T. GRCh37 (hg19) VCF-style: chr9-98270640-C-T.
Other names: c.4G>A, p.Ala2Thr (NM_001354918.2); c.199-1759G>A (NM_001083603.3); c.4-1759G>A (NM_001083602.3, NM_001354919.2); short protein forms A2T.
Identifiers: ClinVar variation 3939885 (VCV003939885.1).
Genomic context (GRCh38, chr9:95,508,358, plus strand): 5'-CGATACAGCCGCTGCCGCCGCCGCCGCGGTCCTGGGGCTCGGCGGCGTTACCAGCCGAGG[C>T]CATGTTGCCGCCGCCGCCGCCGCCGCCGCGGGGACGGAGGCTTCCCGGGCGGCCCGGCGC-3'
Protein context (NP_000255.2, residues 1-12): M[Ala2Thr]SAGNAAEPQD

ClinVar aggregate classification (germline): Uncertain significance (1 of 4 stars; one submission).

Conditions:
Hereditary cancer-predisposing syndrome. Also called: Tumor predisposition; Hereditary neoplastic syndrome; Hereditary Cancer Syndrome; Neoplastic Syndromes, Hereditary. Identifiers: Orphanet 140162, MedGen C0027672, MeSH D009386, MONDO:0015356.

Submission:

Ambry Genetics
Classification: Uncertain significance for Hereditary cancer-predisposing syndrome. Last evaluated: 2025-03-22. Review status: criteria provided, single submitter. Criteria: Ambry Variant Classification Scheme 2023. Collection method: clinical testing. Allele origin: germline.
Comment: The p.A2T variant (also known as c.4G>A), located in coding exon 1 of the PTCH1 gene, results from a G to A substitution at nucleotide position 4. The alanine at codon 2 is replaced by threonine, an amino acid with similar properties. This amino acid position is highly conserved in available vertebrate species. In addition, the in silico prediction for this alteration is inconclusive. Based on the available evidence, the clinical significance of this variant remains unclear.